The following is an entry in ClinVar:

NM_016507.4(CDK12):c.1795G>A (p.Ala599Thr)

Gene: CDK12 (cyclin dependent kinase 12; plus strand). Cytogenetic location: 17q12.
Variant type: single nucleotide variant.
Coding change: c.1795G>A on transcript NM_016507.4 (MANE Select); coding-DNA position 1795, G replaced by A.
Protein change: p.Ala599Thr; replaces alanine 599 with threonine.
Molecular consequence: missense variant.
Genome position (GRCh38, 1-based): chr17:39,471,627, G>A. VCF-style: chr17-39471627-G-A. GRCh37 (hg19) VCF-style: chr17-37627880-G-A.
Other names: c.1795G>A, p.Ala599Thr (NM_015083.4); short protein forms A599T.
Identifiers: ClinVar variation 4224439 (VCV004224439.1).
Genomic context (GRCh38, chr17:39,471,627, plus strand): 5'-TCCAGTACTTCAACTTTGCCCCCTTCTACTCACTCAAAGACATCTGCTGTGTCCTCTCAG[G>A]CAAATTCTCAGCCCCCTGTACAGGTTTCTGTGAAGACTCAAGTATCTGTAACAGCTGCTA-3'
Protein context (NP_057591.2, residues 589-609): HSKTSAVSSQ[Ala599Thr]NSQPPVQVSV

ClinVar aggregate classification (germline): Uncertain significance (1 of 4 stars; one submission).

Submission:

Ambry Genetics
Classification: Uncertain significance. Last evaluated: 2025-09-01. Review status: criteria provided, single submitter. Criteria: Ambry Variant Classification Scheme 2023. Collection method: clinical testing. Allele origin: germline.
Comment: The p.A599T variant (also known as c.1795G>A), located in coding exon 2 of the CDK12 gene, results from a G to A substitution at nucleotide position 1795. The alanine at codon 599 is replaced by threonine, an amino acid with similar properties. This amino acid position is conserved. In addition, this alteration is predicted to be tolerated by in silico analysis. Based on the available evidence, the clinical significance of this variant remains unclear.